The following is an entry in ClinVar:

ClinVar aggregate classification (germline): Pathogenic. Review status: criteria provided, multiple submitters, no conflicts (2 of 4 stars). 2 submissions from 2 submitters: Pathogenic (2). Last evaluated 2024-01-01.

Conditions:
Osteogenesis imperfecta type 6. Also called: Osteogenesis imperfecta, type VI. Identifiers: Orphanet 666, MedGen C3279564, MONDO:0013515, OMIM 613982.
Osteogenesis imperfecta (OI). Identifiers: Orphanet 666, MedGen C0029434, MeSH D010013, MONDO:0019019.

Allele frequency attached by ClinVar (database versions not stated): TOPMed 0.00004.

Submissions (2):

Daryl Scott Lab, Baylor College of Medicine
Classification: Pathogenic for Osteogenesis imperfecta type 6. Last evaluated: 2024-01-01. Review status: criteria provided, single submitter. Criteria: ACMG Guidelines, 2015. Collection method: clinical testing. Allele origin: paternal. Observed: 1 heterozygote.
Comment: PVS1, PM2

Genetics Department, Polish Mother's Memorial Hospital Research Institute
Classification: Pathogenic for Osteogenesis imperfecta. Last evaluated: 2020-04-06. Review status: criteria provided, single submitter. Criteria: ACMG Guidelines, 2015. Collection method: research. Allele origin: maternal. Affected: yes. Observed: 1 variant allele.

NM_002615.7(SERPINF1):c.808G>T (p.Gly270Ter)

Gene: SERPINF1 (serpin family F member 1; plus strand). Cytogenetic location: 17p13.3.
Variant type: single nucleotide variant.
Coding change: c.808G>T on transcript NM_002615.7 (MANE Select); coding-DNA position 808, G replaced by T.
Protein change: p.Gly270Ter; replaces glycine 270 with a stop codon.
Molecular consequence: nonsense.
Genome position (GRCh38, 1-based): chr17:1,776,553, G>T. VCF-style: chr17-1776553-G-T. GRCh37 (hg19) VCF-style: chr17-1679847-G-T.
Other names: c.808G>T, p.Gly270Ter (NM_001329903.2); c.247G>T, p.Gly83Ter (NM_001329904.2, NM_001329905.2); short protein forms G270*, G83*.
Identifiers: ClinVar variation 870121 (VCV000870121.3), dbSNP rs369314029, ClinGen allele CA286851287.
Genomic context (GRCh38, chr17:1,776,553, plus strand): 5'-CTCTGAAGGACTAACCACATGCTTTCTCACTTGTCTCAGATTGCCCAGCTGCCCTTGACC[G>T]GAAGCATGAGTATCATCTTCTTCCTGCCCCTGAAAGTGACCCAGAATTTGACCTTGATAG-3'